The following is an entry in ClinVar:

ClinVar aggregate classification (germline): Uncertain significance (1 of 4 stars; one submission).

gnomAD v4.1: 7 of 1,501,396 alleles (0.00047%); highest among the groups gnomAD compares: South Asian, 0.0013%; no homozygotes.

Submission:

Labcorp Genetics (formerly Invitae), Labcorp
Classification: Uncertain significance. Last evaluated: 2024-07-15. Review status: criteria provided, single submitter. Criteria: Invitae Variant Classification Sherloc (09022015). Collection method: clinical testing. Allele origin: germline.
Comment: This sequence change replaces glutamine, which is neutral and polar, with proline, which is neutral and non-polar, at codon 115 of the SLC12A2 protein (p.Gln115Pro). This variant is not present in population databases (gnomAD no frequency). This variant has not been reported in the literature in individuals affected with SLC12A2-related conditions. Advanced modeling of protein sequence and biophysical properties (such as structural, functional, and spatial information, amino acid conservation, physicochemical variation, residue mobility, and thermodynamic stability) performed at Invitae indicates that this missense variant is not expected to disrupt SLC12A2 protein function with a negative predictive value of 95%. In summary, the available evidence is currently insufficient to determine the role of this variant in disease. Therefore, it has been classified as a Variant of Uncertain Significance.

NM_001046.3(SLC12A2):c.344A>C (p.Gln115Pro)

Gene: SLC12A2 (solute carrier family 12 member 2; plus strand). Cytogenetic location: 5q23.3.
Variant type: single nucleotide variant.
Coding change: c.344A>C on transcript NM_001046.3 (MANE Select); coding-DNA position 344, A replaced by C.
Protein change: p.Gln115Pro; replaces glutamine 115 with proline.
Molecular consequence: missense variant. On other transcripts: non-coding transcript variant (1).
Genome position (GRCh38, 1-based): chr5:128,084,298, A>C. VCF-style: chr5-128084298-A-C. GRCh37 (hg19) VCF-style: chr5-127419990-A-C.
Other names: c.344A>C, p.Gln115Pro (NM_001256461.2); short protein forms Q115P.
Identifiers: ClinVar variation 3618131 (VCV003618131.2).